The following is an entry in ClinVar:

ClinVar aggregate classification (germline): Likely benign (1 of 4 stars; one submission).

Conditions:
Lynch syndrome. Identifiers: Orphanet 144, MedGen C4552100, MONDO:0005835. Disease mechanism: loss of function.

Submission:

All of Us Research Program, National Institutes of Health
Classification: Likely benign for Lynch syndrome. Last evaluated: 2023-03-09. Review status: criteria provided, single submitter. Criteria: ACMG Guidelines, 2015. Collection method: clinical testing. Allele origin: germline. Inheritance: Autosomal dominant inheritance. Observed: 1 variant allele, 1 heterozygote.
Comment: This study involves interpretation of variants in research participants for the purpose of population health screening. Participant phenotype was not available at the time of variant classification. Additional details can be found in publication PMID: 35346344, PMCID: PMC8962531

NM_000179.3(MSH6):c.4080A>G (p.Leu1360=)

Gene: MSH6 (mutS homolog 6; plus strand). Cytogenetic location: 2p16.3.
Variant type: single nucleotide variant.
Coding change: c.4080A>G on transcript NM_000179.3 (MANE Select); coding-DNA position 4080, A replaced by G.
Protein change: p.Leu1360=; no amino-acid change (leucine 1360 retained).
Molecular consequence: synonymous variant. On other transcripts: 3 prime UTR variant (5), non-coding transcript variant (5).
Genome position (GRCh38, 1-based): chr2:47,806,857, A>G. VCF-style: chr2-47806857-A-G. GRCh37 (hg19) VCF-style: chr2-48033996-A-G.
Other names: c.3690A>G, p.Leu1230= (NM_001281492.2); c.3174A>G, p.Leu1058= (NM_001281493.2, NM_001281494.2, NM_001406811.1 and 6 more transcripts); c.4176A>G, p.Leu1392= (NM_001406795.1); c.4080A>G, p.Leu1360= (NM_001406796.1, NM_001406809.1); c.3783A>G, p.Leu1261= (NM_001406797.1, NM_001406805.1, NM_001406818.1 and 8 more transcripts); c.3906A>G, p.Leu1302= (NM_001406798.1); c.3555A>G, p.Leu1185= (NM_001406799.1, NM_001406806.1, NM_001406807.1); c.*101A>G (NM_001406800.1); and 9 more.
Identifiers: ClinVar variation 3069810 (VCV003069810.1), dbSNP rs2104586328, ClinGen allele CA425998824.